The following is an entry in ClinVar:

NM_020247.5(COQ8A):c.497A>G (p.Asp166Gly)

Gene: COQ8A (coenzyme Q8A; plus strand). Cytogenetic location: 1q42.13.
Variant type: single nucleotide variant.
Coding change: c.497A>G on transcript NM_020247.5 (MANE Select); coding-DNA position 497, A replaced by G.
Protein change: p.Asp166Gly; replaces aspartic acid 166 with glycine.
Molecular consequence: missense variant.
Genome position (GRCh38, 1-based): chr1:226,965,319, A>G. VCF-style: chr1-226965319-A-G. GRCh37 (hg19) VCF-style: chr1-227153020-A-G.
Other names: p.D166G:GAC>GGC; short protein forms D166G.
Identifiers: ClinVar variation 214030 (VCV000214030.1), dbSNP rs863223883, ClinGen allele CA322647.

ClinVar aggregate classification (germline): Likely benign (1 of 4 stars; one submission).

Allele frequency attached by ClinVar (database versions not stated): TOPMed 0.00001; gnomAD 0.00001.
gnomAD v4.1: 1 of 1,613,636 alleles (0.000062%); highest among the groups gnomAD compares: African/African-American, 0.0013%; no homozygotes.

Submission:

GeneDx
Classification: Likely benign. Last evaluated: 2013-01-21. Review status: criteria provided, single submitter. Criteria: GeneDx Variant Classification (06012015). Collection method: clinical testing. Allele origin: germline. Affected: yes.
Comment: This variant is considered likely benign or benign based on one or more of the following criteria: it is a conservative change, it occurs at a poorly conserved position in the protein, it is predicted to be benign by multiple in silico algorithms, and/or has population frequency not consistent with disease.